The following is an entry in ClinVar:

NM_005097.4(LGI1):c.61T>C (p.Tyr21His)

Gene: LGI1 (leucine rich glioma inactivated 1; plus strand). Cytogenetic location: 10q23.33.
Variant type: single nucleotide variant.
Coding change: c.61T>C on transcript NM_005097.4 (MANE Select); coding-DNA position 61, T replaced by C.
Protein change: p.Tyr21His; replaces tyrosine 21 with histidine.
Molecular consequence: missense variant. On other transcripts: non-coding transcript variant (1).
Genome position (GRCh38, 1-based): chr10:93,758,205, T>C. VCF-style: chr10-93758205-T-C. GRCh37 (hg19) VCF-style: chr10-95517962-T-C.
Other names: c.61T>C, p.Tyr21His (NM_001308275.2, NM_001308276.2); short protein forms Y21H.
Identifiers: ClinVar variation 589057 (VCV000589057.5), dbSNP rs1485010492, ClinGen allele CA377631174.

ClinVar aggregate classification (germline): Uncertain significance (1 of 4 stars; one submission).

Conditions:
Inborn genetic diseases. Identifiers: MedGen C0950123, MeSH D030342.

Allele frequency attached by ClinVar (database versions not stated): gnomAD exomes below 0.00001; TOPMed below 0.00001; gnomAD 0.00001.
gnomAD v4.1: 4 of 1,614,052 alleles (0.00025%); highest among the groups gnomAD compares: Non-Finnish European, 0.00034%; no homozygotes.

Submission:

Ambry Genetics
Classification: Uncertain significance for Inborn genetic diseases. Last evaluated: 2017-05-31. Review status: criteria provided, single submitter. Criteria: Ambry Variant Classification Scheme 2023. Collection method: clinical testing. Allele origin: germline.
Comment: The p.Y21H variant (also known as c.61T>C), located in coding exon 1 of the LGI1 gene, results from a T to C substitution at nucleotide position 61. The tyrosine at codon 21 is replaced by histidine, an amino acid with similar properties. This amino acid position is highly conserved in available vertebrate species. In addition, the in silico prediction for this alteration is inconclusive. Since supporting evidence is limited at this time, the clinical significance of this alteration remains unclear.